The following is an entry in ClinVar:

ClinVar aggregate classification (germline): Uncertain significance. Review status: criteria provided, multiple submitters, no conflicts (2 of 4 stars). 2 submissions from 2 submitters: Uncertain significance (2). Last evaluated 2025-06-12.

Conditions:
Inborn genetic diseases. Identifiers: MedGen C0950123, MeSH D030342.

Allele frequency attached by ClinVar (database versions not stated): gnomAD exomes below 0.00001; TOPMed 0.00001; gnomAD 0.00003.
gnomAD v4.1: 12 of 1,598,136 alleles (0.00075%); highest among the groups gnomAD compares: Admixed American, 0.0084%; no homozygotes.

Submissions (2):

Labcorp Genetics (formerly Invitae), Labcorp
Classification: Uncertain significance. Last evaluated: 2025-06-12. Review status: criteria provided, single submitter. Criteria: Invitae Variant Classification Sherloc (09022015). Collection method: clinical testing. Allele origin: germline.
Comment: This sequence change replaces serine, which is neutral and polar, with glycine, which is neutral and non-polar, at codon 1424 of the MAST1 protein (p.Ser1424Gly). This variant is not present in population databases (gnomAD no frequency). This variant has not been reported in the literature in individuals affected with MAST1-related conditions. ClinVar contains an entry for this variant (Variation ID: 1932214). An algorithm developed to predict the effect of missense changes on protein structure and function (PolyPhen-2) suggests that this variant is likely to be tolerated. In summary, the available evidence is currently insufficient to determine the role of this variant in disease. Therefore, it has been classified as a Variant of Uncertain Significance.

Ambry Genetics
Classification: Uncertain significance for Inborn genetic diseases. Last evaluated: 2024-07-17. Review status: criteria provided, single submitter. Criteria: Ambry Variant Classification Scheme 2023. Collection method: clinical testing. Allele origin: germline.

NM_014975.3(MAST1):c.4270A>G (p.Ser1424Gly)

Gene: MAST1 (microtubule associated serine/threonine kinase 1; plus strand). Cytogenetic location: 19p13.13.
Variant type: single nucleotide variant.
Coding change: c.4270A>G on transcript NM_014975.3 (MANE Select); coding-DNA position 4270, A replaced by G.
Protein change: p.Ser1424Gly; replaces serine 1424 with glycine.
Molecular consequence: missense variant.
Genome position (GRCh38, 1-based): chr19:12,874,427, A>G. VCF-style: chr19-12874427-A-G. GRCh37 (hg19) VCF-style: chr19-12985241-A-G.
Other names: c.4270A>G (NM_014975.2); short protein forms S1424G.
Identifiers: ClinVar variation 1932214 (VCV001932214.6), dbSNP rs1441289110, ClinGen allele CA404291171.